The following is an entry in ClinVar:

NM_015335.5(MED13L):c.1160A>G (p.Asn387Ser)

Gene: MED13L (mediator complex subunit 13L; minus strand). Cytogenetic location: 12q24.21.
Variant type: single nucleotide variant.
Coding change: c.1160A>G on transcript NM_015335.5 (MANE Select); coding-DNA position 1160, A replaced by G.
Protein change: p.Asn387Ser; replaces asparagine 387 with serine.
Molecular consequence: missense variant.
Genome position (GRCh38, 1-based): chr12:116,015,124, T>C on the plus strand (A>G on the coding strand, the complement: MED13L is on the minus strand). VCF-style: chr12-116015124-T-C. GRCh37 (hg19) VCF-style: chr12-116452929-T-C.
Other names: short protein forms N387S.
Identifiers: ClinVar variation 3705924 (VCV003705924.2).

ClinVar aggregate classification (germline): Uncertain significance (1 of 4 stars; one submission).

Conditions:
Dextro-looped transposition of the great arteries. Also called: Dextrotransposition of the great arteries. Identifiers: Orphanet 860, MedGen C3531771, MONDO:0019443, OMIM 608808, HP:0031348.

gnomAD v4.1: 4 of 1,613,734 alleles (0.00025%); highest among the groups gnomAD compares: Non-Finnish European, 0.00034%; no homozygotes.

Submission:

Labcorp Genetics (formerly Invitae), Labcorp
Classification: Uncertain significance for Dextro-looped transposition of the great arteries. Last evaluated: 2024-07-01. Review status: criteria provided, single submitter. Criteria: Invitae Variant Classification Sherloc (09022015). Collection method: clinical testing. Allele origin: germline.
Comment: This sequence change replaces asparagine, which is neutral and polar, with serine, which is neutral and polar, at codon 387 of the MED13L protein (p.Asn387Ser). This variant is not present in population databases (gnomAD no frequency). This variant has not been reported in the literature in individuals affected with MED13L-related conditions. Advanced modeling of protein sequence and biophysical properties (such as structural, functional, and spatial information, amino acid conservation, physicochemical variation, residue mobility, and thermodynamic stability) performed at Invitae indicates that this missense variant is not expected to disrupt MED13L protein function with a negative predictive value of 80%. In summary, the available evidence is currently insufficient to determine the role of this variant in disease. Therefore, it has been classified as a Variant of Uncertain Significance.